The following is an entry in ClinVar:

ClinVar aggregate classification (germline): Uncertain significance (1 of 4 stars; one submission).

Submission:

GeneDx
Classification: Uncertain significance. Last evaluated: 2025-04-14. Review status: criteria provided, single submitter. Criteria: GeneDx Variant Classification Process June 2021. Collection method: clinical testing. Allele origin: germline. Affected: yes.
Comment: Not observed at significant frequency in large population cohorts (gnomAD); In silico analysis supports that this missense variant has a deleterious effect on protein structure/function; Has not been previously published as pathogenic or benign to our knowledge

NM_145166.4(ZBTB47):c.764C>G (p.Pro255Arg)

Gene: ZBTB47 (zinc finger and BTB domain containing 47; plus strand). Cytogenetic location: 3p22.1.
Variant type: single nucleotide variant.
Coding change: c.764C>G on transcript NM_145166.4 (MANE Select); coding-DNA position 764, C replaced by G.
Protein change: p.Pro255Arg; replaces proline 255 with arginine.
Molecular consequence: missense variant.
Genome position (GRCh38, 1-based): chr3:42,659,119, C>G. VCF-style: chr3-42659119-C-G. GRCh37 (hg19) VCF-style: chr3-42700611-C-G.
Other names: c.848C>G, p.Pro283Arg (NM_001410746.1); short protein forms P255R, P283R.
Identifiers: ClinVar variation 4282135 (VCV004282135.1).
Genomic context (GRCh38, chr3:42,659,119, plus strand): 5'-TCGTGGAGGTGAACCTCAACAACCAGACACTGCACGTGTCCACGGGGCCAGAGGGGAAGC[C>G]AGGTGCCGGGCCAAGCCCAGCCACCGTGGTTCTGGGCCGGGAGGACGGGCTGCAGAGACA-3'
Protein context (NP_660149.2, residues 245-265): LHVSTGPEGK[Pro255Arg]GAGPSPATVV